The following is an entry in ClinVar:

NM_006514.4(SCN10A):c.2524G>A (p.Val842Ile)

Gene: SCN10A (sodium voltage-gated channel alpha subunit 10; minus strand). Cytogenetic location: 3p22.2.
Variant type: single nucleotide variant.
Coding change: c.2524G>A on transcript NM_006514.4 (MANE Select); coding-DNA position 2524, G replaced by A.
Protein change: p.Val842Ile; replaces valine 842 with isoleucine.
Molecular consequence: missense variant.
Genome position (GRCh38, 1-based): chr3:38,728,658, C>T on the plus strand (G>A on the coding strand, the complement: SCN10A is on the minus strand). VCF-style: chr3-38728658-C-T. GRCh37 (hg19) VCF-style: chr3-38770149-C-T.
Other names: c.2524G>A, p.Val842Ile (NM_001293306.2); c.2230G>A, p.Val744Ile (NM_001293307.2); short protein forms V744I, V842I.
Identifiers: ClinVar variation 1792579 (VCV001792579.8), dbSNP rs776804111, ClinGen allele CA2320518.

ClinVar aggregate classification (germline): Conflicting classifications of pathogenicity. Review status: criteria provided, conflicting classifications (1 of 4 stars). 2 submissions from 2 submitters: Uncertain significance (1); Benign (1). Last evaluated 2025-06-24.

Conditions:
Brugada syndrome. Also called: Sudden unexpected nocturnal death syndrome; Sudden unexplained nocturnal death syndrome; Sudden Unexplained Death Syndrome; Sudden Unexplained Nocturnal Death Syndrome (SUNDS). Identifiers: Orphanet 130, MedGen C1142166, MONDO:0015263.
Cardiovascular phenotype. Identifiers: MedGen CN230736.

Allele frequency attached by ClinVar (database versions not stated): ExAC 0.00004.
gnomAD v4.1: 15 of 1,614,186 alleles (0.00093%); highest among the groups gnomAD compares: Admixed American, 0.025%; no homozygotes.

Submissions (2):

Labcorp Genetics (formerly Invitae), Labcorp
Classification: Uncertain significance for Brugada syndrome. Last evaluated: 2025-06-24. Review status: criteria provided, single submitter. Criteria: Invitae Variant Classification Sherloc (09022015). Collection method: clinical testing. Allele origin: germline.
Comment: This sequence change replaces valine, which is neutral and non-polar, with isoleucine, which is neutral and non-polar, at codon 842 of the SCN10A protein (p.Val842Ile). This variant is present in population databases (rs776804111, gnomAD 0.02%). This variant has not been reported in the literature in individuals affected with SCN10A-related conditions. ClinVar contains an entry for this variant (Variation ID: 1792579). Invitae Evidence Modeling of protein sequence and biophysical properties (such as structural, functional, and spatial information, amino acid conservation, physicochemical variation, residue mobility, and thermodynamic stability) indicates that this missense variant is not expected to disrupt SCN10A protein function with a negative predictive value of 95%. In summary, the available evidence is currently insufficient to determine the role of this variant in disease. Therefore, it has been classified as a Variant of Uncertain Significance.

Ambry Genetics
Classification: Benign for Cardiovascular phenotype. Last evaluated: 2024-11-12. Review status: criteria provided, single submitter. Criteria: Ambry Variant Classification Scheme 2023. Collection method: clinical testing. Allele origin: germline.